The following is an entry in ClinVar:

NM_170606.3(KMT2C):c.11374C>A (p.Gln3792Lys)

Gene: KMT2C (lysine methyltransferase 2C; minus strand). Cytogenetic location: 7q36.1.
Variant type: single nucleotide variant.
Coding change: c.11374C>A on transcript NM_170606.3 (MANE Select); coding-DNA position 11374, C replaced by A.
Protein change: p.Gln3792Lys; replaces glutamine 3792 with lysine.
Molecular consequence: missense variant.
Genome position (GRCh38, 1-based): chr7:152,162,203, G>T on the plus strand (C>A on the coding strand, the complement: KMT2C is on the minus strand). VCF-style: chr7-152162203-G-T. GRCh37 (hg19) VCF-style: chr7-151859288-G-T.
Other names: short protein forms Q3792K.
Identifiers: ClinVar variation 134793 (VCV000134793.13), dbSNP rs75191113, ClinGen allele CA160755.
Genomic context (GRCh38, chr7:152,162,203, plus strand): 5'-CAACTAGTTTATTATCCTTTGTACAGTCATCTTCTGAACAAATACTGCCCTCAGGTTTTT[G>T]ATTCAAAAGAGAAGATGACTTTTTATTTTTCAACAAGTGTTTCAGAAGTTCATTCCCTGA-3'
Protein context (NP_733751.2, residues 3782-3802): KNKKSSSLLN[Gln3792Lys]KPEGSICSED

ClinVar aggregate classification (germline): Benign/Likely benign. Review status: criteria provided, multiple submitters, no conflicts (2 of 4 stars). 4 submissions from 4 submitters: Benign (1); Likely benign (1). 2 of the submissions do not count toward it. Last evaluated 2025-11-06.

Conditions:
KMT2C-related disorder. Also called: KMT2C-related disorders; KMT2C-related condition.

Allele frequency attached by ClinVar (database versions not stated): ESP Exome Variant Server 0.00023; TOPMed 0.00117; gnomAD 0.00137; ExAC 0.00199; gnomAD exomes 0.00206; 1000 Genomes Project 30x 0.00562; 1000 Genomes Project 0.00639.
gnomAD v4.1: 1,827 of 1,613,420 alleles (0.11%); highest among the groups gnomAD compares: East Asian, 2.3%; 14 homozygotes.

Submissions (4):

Labcorp Genetics (formerly Invitae), Labcorp
Classification: Benign. Last evaluated: 2025-11-06. Review status: criteria provided, single submitter. Criteria: Invitae Variant Classification Sherloc (09022015). Collection method: clinical testing. Allele origin: germline.

Blueprint Genetics
Classification: Likely benign. Last evaluated: 2024-11-20. Review status: criteria provided, single submitter. Criteria: ACMG Guidelines, 2015. Collection method: clinical testing. Allele origin: germline.

PreventionGenetics, part of Exact Sciences
Classification: Benign for KMT2C-related condition. Last evaluated: 2019-02-20. Review status: no assertion criteria provided. Collection method: clinical testing. Allele origin: germline. Not counted in ClinVar's aggregate classification.
Comment: This variant is classified as benign based on ACMG/AMP sequence variant interpretation guidelines (Richards et al. 2015 PMID: 25741868, with internal and published modifications).

ITMI
No classification provided. Condition: AllHighlyPenetrant. Last evaluated: 2013-09-19. Review status: no classification provided. Collection method: reference population. Allele origin: germline. Not counted in ClinVar's aggregate classification.
Comment: Please see associated publication for description of ethnicities

Literature cited by the submitters: PubMed 24728327 (cited by ITMI).